The following is an entry in ClinVar:

ClinVar aggregate classification (germline): Uncertain significance (1 of 4 stars; one submission).

Submission:

Labcorp Genetics (formerly Invitae), Labcorp
Classification: Uncertain significance. Last evaluated: 2022-07-11. Review status: criteria provided, single submitter. Criteria: Invitae Variant Classification Sherloc (09022015). Collection method: clinical testing. Allele origin: germline.
Comment: In summary, the available evidence is currently insufficient to determine the role of this variant in disease. Therefore, it has been classified as a Variant of Uncertain Significance. Experimental studies and prediction algorithms are not available or were not evaluated, and the functional significance of this variant is currently unknown. This variant has not been reported in the literature in individuals affected with ABL1-related conditions. This variant results in a copy number gain of the genomic region encompassing exon(s) 9-11 of the ABL1 gene. This region includes the termination codon of the gene. This copy number gain extends beyond the assayed region for this gene and therefore may encompass additional genes. As the precise location of this event is unknown, it may be in tandem or it may be located elsewhere in the genome.

NC_000009.11:g.(?_133755435)_(133761070_?)dup

Gene: ABL1 (ABL proto-oncogene 1, non-receptor tyrosine kinase; plus strand). Cytogenetic location: 9q34.12.
Variant type: Duplication.
Identifiers: ClinVar variation 2425748 (VCV002425748.4).